The following is an entry in ClinVar:

ClinVar aggregate classification (germline): Uncertain significance. Review status: criteria provided, multiple submitters, no conflicts (2 of 4 stars). 3 submissions from 3 submitters: Uncertain significance (3). Last evaluated 2024-11-19.

Conditions:
Familial hemophagocytic lymphohistiocytosis 5. Also called: STXBP2-Related Familial Hemophagocytic Lymphohistiocytosis (STXBP2-fHLH). Identifiers: Orphanet 540, MedGen C2751293, MONDO:0013135, OMIM 613101.

Allele frequency attached by ClinVar (database versions not stated): TOPMed 0.00004; ExAC 0.00005; gnomAD 0.00005 and 0.00006.
gnomAD v4.1: 71 of 1,614,106 alleles (0.0044%); highest among the groups gnomAD compares: Non-Finnish European, 0.0058%; no homozygotes.

Submissions (3):

Blueprint Genetics
Classification: Uncertain significance. Last evaluated: 2024-11-19. Review status: criteria provided, single submitter. Criteria: ACMG Guidelines, 2015. Collection method: clinical testing. Allele origin: germline.

GeneDx
Classification: Uncertain significance. Last evaluated: 2024-03-01. Review status: criteria provided, single submitter. Criteria: GeneDx Variant Classification Process June 2021. Collection method: clinical testing. Allele origin: germline. Affected: yes.
Comment: In silico analysis supports a deleterious effect on splicing; In silico analysis supports that this missense variant does not alter protein structure/function; Has not been previously published as pathogenic or benign to our knowledge

Labcorp Genetics (formerly Invitae), Labcorp
Classification: Uncertain significance for Familial hemophagocytic lymphohistiocytosis 5. Last evaluated: 2022-08-16. Review status: criteria provided, single submitter. Criteria: Invitae Variant Classification Sherloc (09022015). Collection method: clinical testing. Allele origin: germline.
Comment: This sequence change replaces glutamic acid, which is acidic and polar, with aspartic acid, which is acidic and polar, at codon 112 of the STXBP2 protein (p.Glu112Asp). This variant is present in population databases (rs751965889, gnomAD 0.009%). This variant has not been reported in the literature in individuals affected with STXBP2-related conditions. ClinVar contains an entry for this variant (Variation ID: 1062421). Algorithms developed to predict the effect of missense changes on protein structure and function output the following: SIFT: "Tolerated"; PolyPhen-2: "Benign"; Align-GVGD: "Class C0". The aspartic acid amino acid residue is found in multiple mammalian species, which suggests that this missense change does not adversely affect protein function. Algorithms developed to predict the effect of sequence changes on RNA splicing suggest that this variant may create or strengthen a splice site. In summary, the available evidence is currently insufficient to determine the role of this variant in disease. Therefore, it has been classified as a Variant of Uncertain Significance.

NM_006949.4(STXBP2):c.336G>T (p.Glu112Asp)

Gene: STXBP2 (syntaxin binding protein 2; plus strand). Cytogenetic location: 19p13.2.
Variant type: single nucleotide variant.
Coding change: c.336G>T on transcript NM_006949.4 (MANE Select); coding-DNA position 336, G replaced by T.
Protein change: p.Glu112Asp; replaces glutamic acid 112 with aspartic acid.
Molecular consequence: missense variant. On other transcripts: non-coding transcript variant (1).
Genome position (GRCh38, 1-based): chr19:7,640,910, G>T. VCF-style: chr19-7640910-G-T. GRCh37 (hg19) VCF-style: chr19-7705796-G-T.
Other names: c.336G>T (NM_006949.3); c.327G>T, p.Glu109Asp (NM_001127396.3); c.369G>T, p.Glu123Asp (NM_001272034.2); short protein forms E109D, E112D, E123D.
Identifiers: ClinVar variation 1062421 (VCV001062421.6), dbSNP rs751965889, ClinGen allele CA9143597.